The following is an entry in ClinVar:

ClinVar aggregate classification (germline): Uncertain significance (1 of 4 stars; one submission).

gnomAD v4.1: 3 of 1,510,132 alleles (0.0002%); highest among the groups gnomAD compares: Admixed American, 0.0042%; no homozygotes.

Submission:

GeneDx
Classification: Uncertain significance. Last evaluated: 2026-03-26. Review status: criteria provided, single submitter. Criteria: GeneDx Variant Classification Process June 2021. Collection method: clinical testing. Allele origin: germline.
Comment: Not observed at significant frequency in large population cohorts (gnomAD); Has not been previously published as pathogenic or benign to our knowledge; Reported using an alternate transcript of the gene; Nonsense variant predicted to result in protein truncation or nonsense mediated decay in a gene for which loss-of-function is not an established mechanism of disease

NM_018474.6(KIZ):c.-7C>T

Genes: KIZ (kizuna centrosomal protein; plus strand), LOC130065507 (ATAC-STARR-seq lymphoblastoid silent region 12713; plus strand). Cytogenetic location: 20p11.23.
Variant type: single nucleotide variant.
Coding change: c.-7C>T on transcript NM_018474.6 (MANE Select); 7 bases upstream of the start codon, C replaced by T.
Molecular consequence: 5 prime UTR variant. On other transcripts: nonsense (1).
Genome position (GRCh38, 1-based): chr20:21,126,109, C>T. VCF-style: chr20-21126109-C-T. GRCh37 (hg19) VCF-style: chr20-21106750-C-T.
Other names: c.-153C>T (NM_001163022.3, NM_001163023.3, NM_001352435.2); c.73C>T, p.Gln25Ter (NM_001276389.2); c.-7C>T (NM_001352434.2); c.-393C>T (NM_001352436.2); short protein forms Q25*.
Identifiers: ClinVar variation 5017315 (VCV005017315.1).